The following is an entry in ClinVar:

ClinVar aggregate classification (germline): Uncertain significance. Review status: criteria provided, multiple submitters, no conflicts (2 of 4 stars). 4 submissions from 4 submitters: Uncertain significance (4). Last evaluated 2026-03-30.

Conditions:
Familial medullary thyroid carcinoma (MTC). Also called: Thyroid cancer, familial medullary; MTC, familial; Familial Medullary Thyroid Carcinoma (FMTC). Identifiers: Orphanet 653, Orphanet 99361, MedGen C1833921, MONDO:0007958, OMIM 155240.
Hereditary insensitivity to pain with anhidrosis (CIPA). Also called: INSENSITIVITY TO PAIN, CONGENITAL, WITH ANHIDROSIS; HSAN Type IV; NTRK1 Congenital Insensitivity to Pain with Anhidrosis; FAMILIAL DYSAUTONOMIA, TYPE II; NEUROPATHY, CONGENITAL SENSORY, WITH ANHIDROSIS; hereditary sensory and autonomic neuropathy type 4. Identifiers: Orphanet 642, MedGen C0020074, MONDO:0009746, OMIM 256800.

Allele frequency attached by ClinVar (database versions not stated): TOPMed below 0.00001; ExAC 0.00001; gnomAD exomes 0.00001 and 0.00002; gnomAD 0.00002.
gnomAD v4.1: 16 of 1,613,466 alleles (0.00099%); highest among the groups gnomAD compares: Admixed American, 0.0017%; no homozygotes.

Submissions (4):

Myriad Genetics, Inc.
Classification: Uncertain significance for Hereditary insensitivity to pain with anhidrosis. Last evaluated: 2026-03-30. Review status: criteria provided, single submitter. Criteria: Myriad Autosomal Dominant, Autosomal Recessive and X-Linked Classification Criteria (2023). Collection method: clinical testing. Allele origin: unknown.
Comment: NM_002529.3(NTRK1):c.1463G>A(G488D) is a missense variant classified as a variant of uncertain significance in the context of congenital insensitivity to pain with anhidrosis, NTRK1-related. G488D has not been observed in cases with relevant disease. Relevant functional assessments of this variant are not available in the literature. G488D has been observed in referenced population frequency databases. In summary, there is insufficient evidence to classify NM_002529.3(NTRK1):c.1463G>A(G488D) as pathogenic or benign. Please note: this variant was assessed in the context of healthy population screening.

Genome-Nilou Lab
Classification: Uncertain significance for Hereditary insensitivity to pain with anhidrosis. Last evaluated: 2023-04-11. Review status: criteria provided, single submitter. Criteria: ACMG Guidelines, 2015. Collection method: clinical testing. Allele origin: germline. Affected: no.

Labcorp Genetics (formerly Invitae), Labcorp
Classification: Uncertain significance for Hereditary insensitivity to pain with anhidrosis. Last evaluated: 2022-05-09. Review status: criteria provided, single submitter. Criteria: Invitae Variant Classification Sherloc (09022015). Collection method: clinical testing. Allele origin: germline.
Comment: This sequence change replaces glycine, which is neutral and non-polar, with aspartic acid, which is acidic and polar, at codon 482 of the NTRK1 protein (p.Gly482Asp). This variant is present in population databases (rs760222071, gnomAD 0.004%). This variant has not been reported in the literature in individuals affected with NTRK1-related conditions. ClinVar contains an entry for this variant (Variation ID: 584601). Advanced modeling of protein sequence and biophysical properties (such as structural, functional, and spatial information, amino acid conservation, physicochemical variation, residue mobility, and thermodynamic stability) performed at Invitae indicates that this missense variant is not expected to disrupt NTRK1 protein function. In summary, the available evidence is currently insufficient to determine the role of this variant in disease. Therefore, it has been classified as a Variant of Uncertain Significance.

Mendelics
Classification: Uncertain significance for Familial medullary thyroid carcinoma. Last evaluated: 2018-07-02. Review status: criteria provided, single submitter. Criteria: Mendelics Assertion Criteria 2017. Collection method: clinical testing. Allele origin: unknown.

NM_002529.4(NTRK1):c.1463G>A (p.Gly488Asp)

Gene: NTRK1 (neurotrophic receptor tyrosine kinase 1; plus strand). Cytogenetic location: 1q23.1.
Variant type: single nucleotide variant.
Coding change: c.1463G>A on transcript NM_002529.4 (MANE Select); coding-DNA position 1463, G replaced by A.
Protein change: p.Gly488Asp; replaces glycine 488 with aspartic acid.
Molecular consequence: missense variant.
Genome position (GRCh38, 1-based): chr1:156,875,628, G>A. VCF-style: chr1-156875628-G-A. GRCh37 (hg19) VCF-style: chr1-156845420-G-A.
Other names: c.1355G>A, p.Gly452Asp (NM_001007792.1); c.1445G>A, p.Gly482Asp (NM_001012331.2); short protein forms G482D, G452D, G488D.
Identifiers: ClinVar variation 584601 (VCV000584601.5), dbSNP rs760222071, ClinGen allele CA1169331.